The following is an entry in ClinVar:

ClinVar aggregate classification (germline): Uncertain significance (1 of 4 stars; one submission).

Conditions:
Autosomal dominant epilepsy with auditory features. Identifiers: Orphanet 101046, MedGen C1838062, MONDO:0010898.

Submission:

Labcorp Genetics (formerly Invitae), Labcorp
Classification: Uncertain significance for Autosomal dominant epilepsy with auditory features. Last evaluated: 2024-01-11. Review status: criteria provided, single submitter. Criteria: Invitae Variant Classification Sherloc (09022015). Collection method: clinical testing. Allele origin: germline.
Comment: This sequence change replaces aspartic acid, which is acidic and polar, with glutamic acid, which is acidic and polar, at codon 276 of the LGI1 protein (p.Asp276Glu). This variant is not present in population databases (gnomAD no frequency). This variant has not been reported in the literature in individuals affected with LGI1-related conditions. Advanced modeling of protein sequence and biophysical properties (such as structural, functional, and spatial information, amino acid conservation, physicochemical variation, residue mobility, and thermodynamic stability) performed at Invitae indicates that this missense variant is not expected to disrupt LGI1 protein function with a negative predictive value of 80%. In summary, the available evidence is currently insufficient to determine the role of this variant in disease. Therefore, it has been classified as a Variant of Uncertain Significance.

NM_005097.4(LGI1):c.828C>G (p.Asp276Glu)

Gene: LGI1 (leucine rich glioma inactivated 1; plus strand). Cytogenetic location: 10q23.33.
Variant type: single nucleotide variant.
Coding change: c.828C>G on transcript NM_005097.4 (MANE Select); coding-DNA position 828, C replaced by G.
Protein change: p.Asp276Glu; replaces aspartic acid 276 with glutamic acid.
Molecular consequence: missense variant. On other transcripts: non-coding transcript variant (1).
Genome position (GRCh38, 1-based): chr10:93,793,340, C>G. VCF-style: chr10-93793340-C-G. GRCh37 (hg19) VCF-style: chr10-95553097-C-G.
Other names: c.828C>G, p.Asp276Glu (NM_001308275.2); c.684C>G, p.Asp228Glu (NM_001308276.2); short protein forms D228E, D276E.
Identifiers: ClinVar variation 2708933 (VCV002708933.3), dbSNP rs865793574, ClinGen allele CA377624609.